The following is an entry in ClinVar:

NM_001005388.3(NFASC):c.2579_2580del (p.Leu860fs)

Gene: NFASC (neurofascin; plus strand). Cytogenetic location: 1q32.1.
Variant type: Microsatellite.
Coding change: c.2579_2580del on transcript NM_001005388.3 (MANE Select); coding-DNA positions 2579 to 2580, 2 bases deleted (TC; older notation c.2579_2580delTC).
Protein change: p.Leu860fs; shifts the reading frame from leucine 860.
Molecular consequence: frameshift variant.
Genome position (GRCh38, 1-based): chr1:204,987,526-204,987,527, TC deleted; deleting any 2 consecutive bases within chr1:204,987,523-204,987,527 gives the same sequence; the c. name uses the placement nearest the transcript's 3' end. VCF-style (leftmost placement, unchanged base first): chr1-204987522-ACT-A. GRCh37 (hg19) VCF-style: chr1-204956650-ACT-A.
Other names: c.2933_2934del, p.Leu978fs (NM_001160331.2); c.2888_2889del, p.Leu963fs (NM_001160332.2, NM_015090.4); c.2567_2568del, p.Leu856fs (NM_001365986.1); c.2900_2901del, p.Leu967fs (NM_001378329.1); short protein forms L856fs, L967fs, L860fs, L963fs, L978fs.
Identifiers: ClinVar variation 2312256 (VCV002312256.2), dbSNP rs2548815311, ClinGen allele CA2580611533.

ClinVar aggregate classification (germline): Pathogenic (1 of 4 stars; one submission).

Conditions:
Inborn genetic diseases. Identifiers: MedGen C0950123, MeSH D030342.

Submission:

Ambry Genetics
Classification: Pathogenic for Inborn genetic diseases. Last evaluated: 2022-11-03. Review status: criteria provided, single submitter. Criteria: Ambry Variant Classification Scheme 2023. Collection method: clinical testing. Allele origin: germline.
Comment: The c.2579_2580delTC (p.L860Qfs*6) alteration, located in exon 22 (coding exon 20) of the NFASC gene, consists of a deletion of 2 nucleotides from position 2579 to 2580, causing a translational frameshift with a predicted alternate stop codon after 6 amino acids. This alteration is expected to result in loss of function by premature protein truncation or nonsense-mediated mRNA decay. This variant was not reported in population-based cohorts in the Genome Aggregation Database (gnomAD). Based on the available evidence, this alteration is classified as pathogenic.